The following is an entry in ClinVar:

NM_000108.5(DLD):c.1446_1447del (p.Arg482fs)

Gene: DLD (dihydrolipoamide dehydrogenase; plus strand). Cytogenetic location: 7q31.1.
Variant type: Microsatellite.
Coding change: c.1446_1447del on transcript NM_000108.5 (MANE Select); coding-DNA positions 1446 to 1447, 2 bases deleted (AG; older notation c.1446_1447delAG).
Protein change: p.Arg482fs; shifts the reading frame from arginine 482.
Molecular consequence: frameshift variant.
Genome position (GRCh38, 1-based): chr7:107,919,081-107,919,082, AG deleted; deleting any 2 consecutive bases within chr7:107,919,079-107,919,082 gives the same sequence; the c. name uses the placement nearest the transcript's 3' end. VCF-style (leftmost placement, unchanged base first): chr7-107919078-TAG-T. GRCh37 (hg19) VCF-style: chr7-107559523-TAG-T.
Other names: c.1149_1150del, p.Arg383fs (NM_001289750.1); c.1377_1378del, p.Arg459fs (NM_001289751.1); c.1302_1303del, p.Arg434fs (NM_001289752.1); short protein forms R482fs, R459fs, R434fs, R383fs.
Identifiers: ClinVar variation 551065 (VCV000551065.8), dbSNP rs1554400713, ClinGen allele CA658821778.
Genomic context (GRCh38, chr7:107,919,078, plus strand): 5'-AGAAATGGTAAATGAAGCTGCTCTTGCTTTGGAATATGGAGCATCCTGTGAAGATATAGC[TAG>T]AGTCTGTCATGCACATCCGGTAATTATTAACAACATATAGAATTGATGGTTGCCTAAATT-3'

ClinVar aggregate classification (germline): Pathogenic. Review status: criteria provided, single submitter (1 of 4 stars). 2 submissions from 2 submitters: Pathogenic (1). 1 of the submissions does not count toward it. Last evaluated 2022-09-09.

Conditions:
Pyruvate dehydrogenase E3 deficiency (DLDD). Also called: Dihydrolipoamide Dehydrogenase Deficiency; Dihydrolipoamide Dehydrogenase (E3) Deficiency; MAPLE SYRUP URINE DISEASE, TYPE III; Lipoamide dehydrogenase deficiency, lactic acidosis due to; Lipoamide dehydrogenase deficiency; Dihydrolipoamide Dehydrogenase E3 Deficiency. Identifiers: Orphanet 2394, Orphanet 765, MedGen C5574660, MONDO:0009529, OMIM 246900.

Submissions (2):

Labcorp Genetics (formerly Invitae), Labcorp
Classification: Pathogenic for Pyruvate dehydrogenase E3 deficiency. Last evaluated: 2022-09-09. Review status: criteria provided, single submitter. Criteria: Invitae Variant Classification Sherloc (09022015). Collection method: clinical testing. Allele origin: germline.
Comment: For these reasons, this variant has been classified as Pathogenic. This variant disrupts a region of the DLD protein in which other variant(s) (p.Arg495Gly) have been determined to be pathogenic (PMID: 8968745, 21930696). This suggests that this is a clinically significant region of the protein, and that variants that disrupt it are likely to be disease-causing. This variant has not been reported in the literature in individuals affected with DLD-related conditions. This variant is not present in population databases (gnomAD no frequency). This sequence change creates a premature translational stop signal (p.Arg482Serfs*13) in the DLD gene. While this is not anticipated to result in nonsense mediated decay, it is expected to disrupt the last 28 amino acid(s) of the DLD protein.

Counsyl
Classification: Likely pathogenic for Pyruvate dehydrogenase E3 deficiency. Last evaluated: 2017-03-23. Review status: no assertion criteria provided. Collection method: clinical testing. Allele origin: unknown. Not counted in ClinVar's aggregate classification.

Literature cited by the submitters: PubMed 8968745 (cited by Labcorp Genetics (formerly Invitae), Labcorp); PubMed 21930696 (cited by Labcorp Genetics (formerly Invitae), Labcorp); PubMed 7797549 (cited by Counsyl); PubMed 1347528 (cited by Counsyl).